The following is an entry in ClinVar:

NM_033118.4(MYLK2):c.627G>A (p.Glu209=)

Gene: MYLK2 (myosin light chain kinase 2; plus strand). Cytogenetic location: 20q11.21.
Variant type: single nucleotide variant.
Coding change: c.627G>A on transcript NM_033118.4 (MANE Select); coding-DNA position 627, G replaced by A.
Protein change: p.Glu209=; no amino-acid change (glutamic acid 209 retained).
Molecular consequence: synonymous variant.
Genome position (GRCh38, 1-based): chr20:31,821,592, G>A. VCF-style: chr20-31821592-G-A. GRCh37 (hg19) VCF-style: chr20-30409395-G-A.
Other names: p.E209E:GAG>GAA.
Identifiers: ClinVar variation 138404 (VCV000138404.11), dbSNP rs587781091, ClinGen allele CA292400.

ClinVar aggregate classification (germline): Benign/Likely benign. Review status: criteria provided, multiple submitters, no conflicts (2 of 4 stars). 4 submissions from 4 submitters: Benign (1); Likely benign (3). Last evaluated 2025-12-01.

Conditions:
Hypertrophic cardiomyopathy 1 (CMH1). Also called: Familial hypertrophic cardiomyopathy 1; MYH7-Related Familial Hypertrophic Cardiomyopathy. Identifiers: MedGen C3495498, MONDO:0008647, OMIM 192600.

Allele frequency attached by ClinVar (database versions not stated): gnomAD exomes below 0.00001.
gnomAD v4.1: 13 of 1,614,124 alleles (0.00081%); highest among the groups gnomAD compares: East Asian, 0.0067%; no homozygotes.

Submissions (4):

Labcorp Genetics (formerly Invitae), Labcorp
Classification: Likely benign for Hypertrophic cardiomyopathy 1. Last evaluated: 2025-12-01. Review status: criteria provided, single submitter. Criteria: Invitae Variant Classification Sherloc (09022015). Collection method: clinical testing. Allele origin: germline.

Ambry Genetics
Classification: Likely benign. Last evaluated: 2023-10-12. Review status: criteria provided, single submitter. Criteria: Ambry Variant Classification Scheme 2023. Collection method: clinical testing. Allele origin: germline.

Blueprint Genetics
Classification: Likely benign. Last evaluated: 2021-08-13. Review status: criteria provided, single submitter. Criteria: ACMG Guidelines, 2015. Collection method: clinical testing. Allele origin: germline.

GeneDx
Classification: Benign. Last evaluated: 2014-05-21. Review status: criteria provided, single submitter. Criteria: GeneDx Variant Classification (06012015). Collection method: clinical testing. Allele origin: germline. Affected: yes.
Comment: This variant is considered likely benign or benign based on one or more of the following criteria: it is a conservative change, it occurs at a poorly conserved position in the protein, it is predicted to be benign by multiple in silico algorithms, and/or has population frequency not consistent with disease.